The following is an entry in ClinVar:

ClinVar aggregate classification (germline): Uncertain significance (1 of 4 stars; one submission).

Conditions:
Hereditary cancer-predisposing syndrome. Also called: Tumor predisposition; Hereditary neoplastic syndrome; Neoplastic Syndromes, Hereditary; Hereditary Cancer Syndrome. Identifiers: Orphanet 140162, MedGen C0027672, MeSH D009386, MONDO:0015356.

Submission:

Ambry Genetics
Classification: Uncertain significance for Hereditary cancer-predisposing syndrome. Last evaluated: 2019-11-14. Review status: criteria provided, single submitter. Criteria: Ambry Variant Classification Scheme 2023. Collection method: clinical testing. Allele origin: germline.
Comment: The p.T467P variant (also known as c.1399A>C), located in coding exon 10 of the CDH1 gene, results from an A to C substitution at nucleotide position 1399. The threonine at codon 467 is replaced by proline, an amino acid with highly similar properties. This amino acid position is poorly conserved in available vertebrate species. In addition, this alteration is predicted to be tolerated by in silico analysis. Since supporting evidence is limited at this time, the clinical significance of this alteration remains unclear.

NM_004360.5(CDH1):c.1399A>C (p.Thr467Pro)

Gene: CDH1 (cadherin 1; plus strand). Cytogenetic location: 16q22.1.
Variant type: single nucleotide variant.
Coding change: c.1399A>C on transcript NM_004360.5 (MANE Select); coding-DNA position 1399, A replaced by C.
Protein change: p.Thr467Pro; replaces threonine 467 with proline.
Molecular consequence: missense variant. On other transcripts: 5 prime UTR variant (2).
Genome position (GRCh38, 1-based): chr16:68,815,593, A>C. VCF-style: chr16-68815593-A-C. GRCh37 (hg19) VCF-style: chr16-68849496-A-C.
Other names: c.1216A>C, p.Thr406Pro (NM_001317184.2); c.-150A>C (NM_001317185.2); c.-421A>C (NM_001317186.2); short protein forms T467P, T406P.
Identifiers: ClinVar variation 819107 (VCV000819107.4), dbSNP rs1597897918, ClinGen allele CA396462909.